The following is an entry in ClinVar:

ClinVar aggregate classification (germline): Uncertain significance (1 of 4 stars; one submission).

Conditions:
Hereditary cancer-predisposing syndrome. Also called: Neoplastic Syndromes, Hereditary; Tumor predisposition; Hereditary neoplastic syndrome; Hereditary Cancer Syndrome. Identifiers: Orphanet 140162, MedGen C0027672, MeSH D009386, MONDO:0015356.

Submission:

Ambry Genetics
Classification: Uncertain significance for Hereditary cancer-predisposing syndrome. Last evaluated: 2026-09-12. Review status: criteria provided, single submitter. Criteria: Ambry Variant Classification Scheme 2023. Collection method: clinical testing. Allele origin: germline.
Comment: The p.E1011A variant (also known as c.3032A>C), located in coding exon 9 of the BRCA1 gene, results from an A to C substitution at nucleotide position 3032. The glutamic acid at codon 1011 is replaced by alanine, an amino acid with dissimilar properties. This amino acid position is conserved. In addition, the in silico prediction for this alteration is inconclusive. Based on the available evidence, the clinical significance of this variant remains unclear.

NM_007294.4(BRCA1):c.3032A>C (p.Glu1011Ala)

Gene: BRCA1 (BRCA1 DNA repair associated; minus strand). Cytogenetic location: 17q21.31.
Variant type: single nucleotide variant.
Coding change: c.3032A>C on transcript NM_007294.4 (MANE Select); coding-DNA position 3032, A replaced by C.
Protein change: p.Glu1011Ala; replaces glutamic acid 1011 with alanine.
Molecular consequence: missense variant. On other transcripts: intron variant (137).
Genome position (GRCh38, 1-based): chr17:43,092,499, T>G on the plus strand (A>C on the coding strand, the complement: BRCA1 is on the minus strand). VCF-style: chr17-43092499-T-G. GRCh37 (hg19) VCF-style: chr17-41244516-T-G.
Other names: c.785-1467A>C (NM_001407986.1, NM_001407972.1, NM_001408398.1 and 13 more transcripts); c.665-1467A>C (NM_001408441.1, NM_001408437.1, NM_001408429.1 and 12 more transcripts); c.788-1467A>C (NM_001407979.1, NM_001407977.1, NM_001407982.1 and 17 more transcripts); c.647-1467A>C (NM_001408410.1, NM_001408458.1, NM_001408469.1 and 11 more transcripts); c.710-1467A>C (NM_001408415.1, NM_001408414.1, NM_001408411.1 and 2 more transcripts); c.578-1467A>C (NM_001408483.1, NM_001408478.1, NM_001408514.1 and 9 more transcripts); c.2906A>C, p.Glu969Ala (NM_001407940.1, NM_001407941.1, NM_001407649.1 and 11 more transcripts); c.2891A>C, p.Glu964Ala (NM_001407942.1, NM_001407944.1, NM_001407945.1 and 29 more transcripts); and 41 more; short protein forms E1010A, E883A, E922A, E923A, E941A, E943A, E964A, E970A.
Identifiers: ClinVar variation 5033218 (VCV005033218.1).
Genomic context (GRCh38, chr17:43,092,499, plus strand): 5'-ATGTTATTACGGCTAATTGTGCTCACTGTACTTGGAATGTTCTCATTTCCCATTTCTCTT[T>G]CAGGTGACATTGAATGTTCCTCAAAGTTTTCCTCTAGCAGATTTTTCTTACATTTAGTTT-3'
Protein context (NP_009225.1, residues 1001-1021): ENFEEHSMSP[Glu1011Ala]REMGNENIPS